The following is an entry in ClinVar:

ClinVar aggregate classification (germline): Uncertain significance (1 of 4 stars; one submission).

Conditions:
Cardiovascular phenotype. Identifiers: MedGen CN230736.

Submission:

Ambry Genetics
Classification: Uncertain significance for Cardiovascular phenotype. Last evaluated: 2018-01-04. Review status: criteria provided, single submitter. Criteria: Ambry Variant Classification Scheme 2023. Collection method: clinical testing. Allele origin: germline.
Comment: The p.Q1095* variant (also known as c.3283C>T), located in coding exon 11 of the RBM20 gene, results from a C to T substitution at nucleotide position 3283. This changes the amino acid from a glutamine to a stop codon within coding exon 11. This alteration is expected to result in loss of function by premature protein truncation or nonsense-mediated mRNA decay. However, loss of function of RBM20 has not been clearly established as a mechanism of disease. Since supporting evidence is limited at this time, the clinical significance of this alteration remains unclear.

NM_001134363.3(RBM20):c.3283C>T (p.Gln1095Ter)

Gene: RBM20 (RNA binding motif protein 20; plus strand). Cytogenetic location: 10q25.2.
Variant type: single nucleotide variant.
Coding change: c.3283C>T on transcript NM_001134363.3 (MANE Select); coding-DNA position 3283, C replaced by T.
Protein change: p.Gln1095Ter; replaces glutamine 1095 with a stop codon.
Molecular consequence: nonsense.
Genome position (GRCh38, 1-based): chr10:110,821,902, C>T. VCF-style: chr10-110821902-C-T. GRCh37 (hg19) VCF-style: chr10-112581660-C-T.
Other names: short protein forms Q1095*.
Identifiers: ClinVar variation 1729768 (VCV001729768.2), dbSNP rs2493495720, ClinGen allele CA378382501.